The following is an entry in ClinVar:

NC_012920.1(MT-ND2):m.5194C>T

Gene: MT-ND2 (mitochondrially encoded NADH dehydrogenase 2; plus strand).
Variant type: single nucleotide variant.
Genome position: chrM-5194-C-T.
Identifiers: ClinVar variation 692555 (VCV000692555.1), dbSNP rs1603219824, ClinGen allele CA414779281.
Genomic context (GRCh38, chrMT:5,194, plus strand): 5'-ACTCCAGCACCACGACCCTACTACTATCTCGCACCTGAAACAAGCTAACATGACTAACAC[C>T]CTTAATTCCATCCACCCTCCTCTCCCTAGGAGGCCTGCCCCCGCTAACCGGCTTTTTGCC-3'

ClinVar aggregate classification (germline): Benign (1 of 4 stars; one submission).

Conditions:
Leigh syndrome (NULS). Also called: Leigh's necrotizing encephalopathy; Leigh's disease; Leigh Syndrome (mtDNA deletion); Leigh Disease; Subacute necrotizing encephalopathy; Necrotizing encephalopathy infantile subacute of Leigh. Identifiers: Orphanet 506, MedGen C2931891, MONDO:0009723, OMIM 256000.

Submission:

Wong Mito Lab, Molecular and Human Genetics, Baylor College of Medicine
Classification: Benign for Leigh syndrome. Last evaluated: 2019-10-17. Review status: criteria provided, single submitter. Criteria: Modified ACMG Guidelines (Unpublished). Collection method: clinical testing. Allele origin: germline.
Comment: The NC_012920.1:m.5194C>T (YP_003024027.1:p.Pro242Leu) variant in MTND2 gene is interpretated to be a Benign variant based on the modified ACMG guidelines (unpublished). This variant meets the following evidence codes: BS1, BS4, BP4